The following is an entry in ClinVar:

ClinVar aggregate classification (germline): Pathogenic/Likely pathogenic. Review status: criteria provided, multiple submitters, no conflicts (2 of 4 stars). 4 submissions from 4 submitters: Pathogenic (1); Likely pathogenic (2). 1 of the submissions does not count toward it. Last evaluated 2025-09-12.

Conditions:
Hemolytic anemia due to adenylate kinase deficiency (CNSHA3). Also called: ANEMIA, CONGENITAL, NONSPHEROCYTIC HEMOLYTIC, 3. Identifiers: Orphanet 86817, MedGen C2675459, MONDO:0012967, OMIM 612631.

Allele frequency attached by ClinVar (database versions not stated): TOPMed below 0.00001; gnomAD exomes below 0.00001.
gnomAD v4.1: 1 of 1,613,862 alleles (0.000062%); highest among the groups gnomAD compares: Non-Finnish European, 0.000085%; no homozygotes.

Submissions (4):

3billion
Classification: Pathogenic for Hemolytic anemia due to adenylate kinase deficiency. Last evaluated: 2025-09-12. Review status: criteria provided, single submitter. Criteria: ACMG Guidelines, 2015. Collection method: clinical testing. Allele origin: germline. Affected: yes.
Comment: The variant is observed at an extremely low frequency in the gnomAD v4.1.0 dataset (total allele frequency: <0.001%). Predicted Consequence/Location: Stop-gained (nonsense): predicted to result in a loss or disruption of normal protein function through nonsense-mediated decay (NMD) or protein truncation. Multiple pathogenic variants are reported downstream of the variant. The variant has been reported at least twice as pathogenic without evidence for the classification (ClinVar ID: VCV000018264 /PMID: 10233365). Therefore, this variant is classified as Pathogenic according to the recommendation of ACMG/AMP guideline.

Mayo Clinic Laboratories, Mayo Clinic
Classification: Likely pathogenic. Last evaluated: 2024-10-28. Review status: criteria provided, single submitter. Criteria: ACMG Guidelines, 2015. Collection method: clinical testing. Allele origin: germline. Observed: 1 variant allele.
Comment: PM2_supporting, PM3, PVS1

Revvity Omics, Revvity
Classification: Likely pathogenic for Hemolytic anemia due to adenylate kinase deficiency. Last evaluated: 2022-06-26. Review status: criteria provided, single submitter. Criteria: ACMG Guidelines, 2015. Collection method: clinical testing. Allele origin: germline.

OMIM
Classification: Pathogenic for ANEMIA, CONGENITAL, NONSPHEROCYTIC HEMOLYTIC, 3. Last evaluated: 1999-04-01. Review status: no assertion criteria provided. Collection method: literature only. Allele origin: germline. Not counted in ClinVar's aggregate classification.

Literature cited by the submitters: PubMed 10233365 (cited by 3 submitters); PubMed 17662886 (cited by Mayo Clinic Laboratories, Mayo Clinic); PubMed 25525159 (cited by Mayo Clinic Laboratories, Mayo Clinic); PubMed 29396846 (cited by Mayo Clinic Laboratories, Mayo Clinic); PubMed 34321014 (cited by Mayo Clinic Laboratories, Mayo Clinic); PubMed 35509045 (cited by Mayo Clinic Laboratories, Mayo Clinic).

NM_000476.3(AK1):c.319C>T (p.Arg107Ter)

Genes: AK1 (adenylate kinase 1; minus strand), ST6GALNAC4-ST6GALNAC6-AK1 (ST6GALNAC4-ST6GALNAC6-AK1 readthrough; minus strand). Cytogenetic location: 9q34.11.
Variant type: single nucleotide variant.
Coding change: c.319C>T on transcript NM_000476.3 (MANE Select); coding-DNA position 319, C replaced by T.
Protein change: p.Arg107Ter; replaces arginine 107 with a stop codon.
Molecular consequence: nonsense.
Genome position (GRCh38, 1-based): chr9:127,871,828, G>A on the plus strand (C>T on the coding strand, the complement: AK1 is on the minus strand). VCF-style: chr9-127871828-G-A. GRCh37 (hg19) VCF-style: chr9-130634107-G-A.
Other names: p.Arg107*; c.367C>T, p.Arg123Ter (NM_001318122.2); c.319C>T (NM_000476.2); c.319C>T, p.Arg107Ter (NM_001318121.1); short protein forms R107*, R123*.
Identifiers: ClinVar variation 18264 (VCV000018264.7), dbSNP rs104894102, ClinGen allele CA128012.